The following is an entry in ClinVar:

ClinVar aggregate classification (germline): Uncertain significance (1 of 4 stars; one submission).

Conditions:
Bloom syndrome (BLM). Also called: Bloom-Torre-Machacek syndrome. Identifiers: Orphanet 125, MedGen C0005859, MONDO:0008876, OMIM 210900.

Submission:

Labcorp Genetics (formerly Invitae), Labcorp
Classification: Uncertain significance for Bloom syndrome. Last evaluated: 2024-03-08. Review status: criteria provided, single submitter. Criteria: Invitae Variant Classification Sherloc (09022015). Collection method: clinical testing. Allele origin: germline.
Comment: This sequence change replaces aspartic acid, which is acidic and polar, with valine, which is neutral and non-polar, at codon 436 of the BLM protein (p.Asp436Val). This variant is not present in population databases (gnomAD no frequency). This variant has not been reported in the literature in individuals affected with BLM-related conditions. Advanced modeling of protein sequence and biophysical properties (such as structural, functional, and spatial information, amino acid conservation, physicochemical variation, residue mobility, and thermodynamic stability) performed at Invitae indicates that this missense variant is not expected to disrupt BLM protein function with a negative predictive value of 80%. In summary, the available evidence is currently insufficient to determine the role of this variant in disease. Therefore, it has been classified as a Variant of Uncertain Significance.

NM_000057.4(BLM):c.1307A>T (p.Asp436Val)

Gene: BLM (BLM RecQ like helicase; plus strand). Cytogenetic location: 15q26.1.
Variant type: single nucleotide variant.
Coding change: c.1307A>T on transcript NM_000057.4 (MANE Select); coding-DNA position 1307, A replaced by T.
Protein change: p.Asp436Val; replaces aspartic acid 436 with valine.
Molecular consequence: missense variant.
Genome position (GRCh38, 1-based): chr15:90,760,680, A>T. VCF-style: chr15-90760680-A-T. GRCh37 (hg19) VCF-style: chr15-91303910-A-T.
Other names: c.1307A>T, p.Asp436Val (NM_001287246.2, NM_001287247.2); c.182A>T, p.Asp61Val (NM_001287248.2); short protein forms D61V, D436V.
Identifiers: ClinVar variation 3645100 (VCV003645100.2).